The following is an entry in ClinVar:

NM_000441.2(SLC26A4):c.1553G>A (p.Trp518Ter)

Gene: SLC26A4 (solute carrier family 26 member 4; plus strand). Cytogenetic location: 7q22.3.
Variant type: single nucleotide variant.
Coding change: c.1553G>A on transcript NM_000441.2 (MANE Select); coding-DNA position 1553, G replaced by A.
Protein change: p.Trp518Ter; replaces tryptophan 518 with a stop codon.
Molecular consequence: nonsense.
Genome position (GRCh38, 1-based): chr7:107,698,050, G>A. VCF-style: chr7-107698050-G-A. GRCh37 (hg19) VCF-style: chr7-107338495-G-A.
Other names: c.1553G>A (NM_000441.1); short protein forms W518*.
Identifiers: ClinVar variation 3240504 (VCV003240504.4), dbSNP rs2535332468.
Genomic context (GRCh38, chr7:107,698,050, plus strand): 5'-TCCAAAATACGGCTGTTCCAAAAAATCTTGACCTTGATATTTTTTCTTCTAGTCCTTCTT[G>A]GAATGGCCTTGGAAGCATCCCTAGCACAGATATCTACAAAAGTACCAAGAATTACAAAAA-3'

ClinVar aggregate classification (germline): Pathogenic. Review status: criteria provided, multiple submitters, no conflicts (2 of 4 stars). 4 submissions from 4 submitters: Pathogenic (4). Last evaluated 2025-09-12.

Conditions:
Pendred syndrome (PDS). Also called: DEAFNESS WITH GOITER; GOITER-DEAFNESS SYNDROME; HYPOTHYROIDISM, CONGENITAL, DUE TO DYSHORMONOGENESIS, 2B; THYROID DYSHORMONOGENESIS 2B; THYROID HORMONOGENESIS, GENETIC DEFECT IN, 2B; Pendred's syndrome. Identifiers: Orphanet 705, MedGen C0271829, MONDO:0010134, OMIM 274600.
Autosomal recessive nonsyndromic hearing loss 4 (DFNB4). Also called: FOXI1-Related Pendred Syndrome; KCNJ10-Related Pendred Syndrome; DEAFNESS, AUTOSOMAL RECESSIVE 4, WITH ENLARGED VESTIBULAR AQUEDUCT, DIGENIC; NEUROSENSORY NONSYNDROMIC RECESSIVE DEAFNESS 4; Deafness, autosomal recessive 4; Enlarged vestibular aqueduct, digenic. Identifiers: Orphanet 90636, MedGen C3538946, MONDO:0010933, OMIM 600791.

Submissions (4):

Natera, Inc.
Classification: Pathogenic for Pendred syndrome. Last evaluated: 2025-09-12. Review status: criteria provided, single submitter. Criteria: Natera Variant Classification Schema (03/2026). Collection method: clinical testing. Allele origin: germline.
Comment: The c.1553G>A variant in SLC26A4 is a nonsense variant predicted to introduce a stop codon at amino acid 518. This variant is expected to result in nonsense mediated decay, truncation, or a dysfunctional protein product. This variant is rare in the general population with a frequency below the threshold expected for the associated phenotype(s). This variant has been observed in one or more individuals affected with the associated recessive disease, as either homozygous or compound heterozygous with a second variant (PMID: 29739340). Given the available evidence, this variant is classified as Pathogenic.

Fulgent Genetics
Classification: Pathogenic for Pendred syndrome; Autosomal recessive nonsyndromic hearing loss 4. Last evaluated: 2024-03-26. Review status: criteria provided, single submitter. Criteria: ACMG Guidelines, 2015. Collection method: clinical testing. Allele origin: germline.

Baylor Genetics
Classification: Pathogenic for Autosomal recessive nonsyndromic hearing loss 4. Last evaluated: 2024-01-13. Review status: criteria provided, single submitter. Criteria: ACMG Guidelines, 2015. Collection method: clinical testing. Allele origin: unknown.

Myriad Genetics, Inc.
Classification: Pathogenic for Pendred syndrome. Last evaluated: 2023-09-08. Review status: criteria provided, single submitter. Criteria: Myriad Autosomal Dominant, Autosomal Recessive and X-Linked Classification Criteria (2023). Collection method: clinical testing. Allele origin: unknown.
Comment: NM_000441.1(SLC26A4):c.1553G>A(W518*) is expected to be pathogenic in the context of Pendred syndrome. This variant is predicted to lead to an abnormal or absent protein product due to the creation of a premature termination codon in SLC26A4, a gene where loss-of-function variants are known to be pathogenic. Please note: this variant was assessed in the context of healthy population screening.

Literature cited by the submitters: PubMed 29739340 (cited by Natera, Inc.).